The following is an entry in ClinVar:

ClinVar aggregate classification (germline): Pathogenic (1 of 4 stars; one submission).

Conditions:
Werner syndrome (WRN). Identifiers: Orphanet 902, MedGen C0043119, MONDO:0010196, OMIM 277700.

Submission:

Labcorp Genetics (formerly Invitae), Labcorp
Classification: Pathogenic for Werner syndrome. Last evaluated: 2023-12-14. Review status: criteria provided, single submitter. Criteria: Invitae Variant Classification Sherloc (09022015). Collection method: clinical testing. Allele origin: germline.
Comment: This sequence change creates a premature translational stop signal (p.Phe810Valfs*5) in the WRN gene. It is expected to result in an absent or disrupted protein product. Loss-of-function variants in WRN are known to be pathogenic (PMID: 16673358). This variant is not present in population databases (gnomAD no frequency). This variant has not been reported in the literature in individuals affected with WRN-related conditions. RNA analysis performed to evaluate the impact of this premature translational stop signal on mRNA splicing indicates it does not significantly alter splicing (Invitae). For these reasons, this variant has been classified as Pathogenic.

Literature cited by the submitters: PubMed 16673358.

NM_000553.6(WRN):c.2427dup (p.Phe810fs)

Gene: WRN (WRN RecQ like helicase; plus strand). Cytogenetic location: 8p12.
Variant type: Duplication.
Coding change: c.2427dup on transcript NM_000553.6 (MANE Select); coding-DNA position 2427, one base duplicated (G; older notation c.2427dupG).
Protein change: p.Phe810fs; shifts the reading frame from phenylalanine 810.
Molecular consequence: frameshift variant.
Genome position (GRCh38, 1-based): chr8:31,116,507, G duplicated; the last of 2 consecutive G bases (chr8:31,116,506-31,116,507); duplicating either gives the same sequence. VCF-style (leftmost placement, unchanged base first): chr8-31116505-A-AG. GRCh37 (hg19) VCF-style: chr8-30974021-A-AG.
Other names: short protein forms F810fs.
Identifiers: ClinVar variation 2767130 (VCV002767130.3), dbSNP rs2130306151, ClinGen allele CA2697549804.